The following is an entry in ClinVar:

ClinVar aggregate classification (germline): Uncertain significance (1 of 4 stars; one submission).

Conditions:
Hypertrophic cardiomyopathy. Also called: HYPERTROPHIC MYOCARDIOPATHY. Identifiers: Orphanet 217569, MedGen C0007194, MeSH D002312, MONDO:0005045, HP:0001639.

Submission:

Labcorp Genetics (formerly Invitae), Labcorp
Classification: Uncertain significance for Hypertrophic cardiomyopathy. Last evaluated: 2025-11-07. Review status: criteria provided, single submitter. Criteria: Invitae Variant Classification Sherloc (09022015). Collection method: clinical testing. Allele origin: germline.
Comment: This sequence change replaces alanine, which is neutral and non-polar, with glycine, which is neutral and non-polar, at codon 173 of the MYOM1 protein (p.Ala173Gly). This variant is not present in population databases (gnomAD no frequency). This variant has not been reported in the literature in individuals affected with MYOM1-related conditions. An algorithm developed to predict the effect of missense changes on protein structure and function (PolyPhen-2) suggests that this variant is likely to be tolerated. In summary, the available evidence is currently insufficient to determine the role of this variant in disease. Therefore, it has been classified as a Variant of Uncertain Significance.

NM_003803.4(MYOM1):c.518C>G (p.Ala173Gly)

Gene: MYOM1 (myomesin 1; minus strand). Cytogenetic location: 18p11.31.
Variant type: single nucleotide variant.
Coding change: c.518C>G on transcript NM_003803.4 (MANE Select); coding-DNA position 518, C replaced by G.
Protein change: p.Ala173Gly; replaces alanine 173 with glycine.
Molecular consequence: missense variant.
Genome position (GRCh38, 1-based): chr18:3,189,001, G>C on the plus strand (C>G on the coding strand, the complement: MYOM1 is on the minus strand). VCF-style: chr18-3189001-G-C. GRCh37 (hg19) VCF-style: chr18-3188999-G-C.
Other names: c.518C>G, p.Ala173Gly (NM_019856.2); short protein forms A173G.
Identifiers: ClinVar variation 4797376 (VCV004797376.1).
Genomic context (GRCh38, chr18:3,189,001, plus strand): 5'-GATGCCGTGGTCTGCTTGGATGCCGTGGACTGTTTAGATGTTGTGATTCCTTCCTCACTA[G>C]CAAGAAGATTCCTCTGGGCTATATAAGCAGCAGCTTCTTTAATTCTTTCTTCTTCCGTAT-3'
Protein context (NP_003794.3, residues 163-183): AAYIAQRNLL[Ala173Gly]SEEGITTSKQ